The following is an entry in ClinVar:

ClinVar aggregate classification (germline): Uncertain significance (1 of 4 stars; one submission).

Conditions:
PPARG-related disorder. Also called: PPARG-related disorders; PPARG-related condition.

gnomAD v4.1: 219 of 1,602,752 alleles (0.014%); highest among the groups gnomAD compares: Middle Eastern, 0.13%; 1 homozygote.

Submission:

PreventionGenetics, part of Exact Sciences
Classification: Uncertain significance for PPARG-related condition. Last evaluated: 2026-08-06. Review status: criteria provided, single submitter. Criteria: ACMG Guidelines, 2015. Collection method: clinical testing. Allele origin: germline.
Comment: The PPARG c.854C>T variant is predicted to result in the amino acid substitution p.Ala285Val. In an alternate transcript (NM_015869), this variant is found in an intronic region (c.819+35C>T). To our knowledge, this variant has not been reported in the literature. This variant is reported in 0.12% of alleles in individuals of South Asian descent in gnomAD, including a homozygous individual. Although we suspect that this variant may be benign, at this time, the clinical significance of this variant is uncertain due to the absence of conclusive functional and genetic evidence.

NM_138711.6(PPARG):c.729+35C>T

Genes: PPARG (peroxisome proliferator activated receptor gamma; plus strand), LOC114803475 (PPARG eExon liver enhancer; plus strand). Cytogenetic location: 3p25.2.
Variant type: single nucleotide variant.
Coding change: c.729+35C>T on transcript NM_138711.6 (MANE Select); 35 bases into the intron after coding-DNA position 729, C replaced by T.
Molecular consequence: intron variant. On other transcripts: missense variant (2).
Genome position (GRCh38, 1-based): chr3:12,406,116, C>T. VCF-style: chr3-12406116-C-T. GRCh37 (hg19) VCF-style: chr3-12447615-C-T.
Other names: c.854C>T, p.Ala285Val (NM_001354668.2); c.770C>T, p.Ala257Val (NM_001354670.2); c.729+35C>T (NM_001354666.3, NM_138712.5, NM_005037.7 and 6 more transcripts); c.103-10588C>T (NM_001354669.2); c.653+117C>T (NM_001374266.1); c.819+35C>T (NM_015869.5, NM_001374265.1); short protein forms A257V, A285V.
Identifiers: ClinVar variation 3358792 (VCV003358792.2).